The following is an entry in ClinVar:

ClinVar aggregate classification (germline): Likely pathogenic (1 of 4 stars; one submission).

Conditions:
VPS13A-related neurodegenerative disease. Also called: LEVINE-CRITCHLEY SYNDROME; Choreoacanthocytosis; Chorea-acanthocytosis; ACANTHOCYTOSIS WITH NEUROLOGIC DISORDER; VPS13A Disease; Choreaacanthocytosis. Identifiers: Orphanet 2388, MedGen C0393576, MONDO:0008695, OMIM 200150.

Submission:

Natera, Inc.
Classification: Likely pathogenic for Choreaacanthocytosis. Last evaluated: 2025-04-17. Review status: criteria provided, single submitter. Criteria: Natera Variant Classification Schema (03/2026). Collection method: clinical testing. Allele origin: germline.
Comment: The c.4903_4906delAAAG variant in VPS13A is a frameshift variant predicted to shift the reading frame beginning at codon 1635 and leads to a stop codon 6 codons downstream. This variant is expected to result in nonsense mediated decay, truncation, or a dysfunctional protein product. This variant is rare in the general population with a frequency below the threshold expected for the associated phenotype(s). Given the available evidence, this variant is classified as Likely Pathogenic.

NM_033305.3(VPS13A):c.4903_4906del (p.Lys1635fs)

Gene: VPS13A (vacuolar protein sorting 13 homolog A; plus strand). Cytogenetic location: 9q21.2.
Variant type: Deletion.
Coding change: c.4903_4906del on transcript NM_033305.3 (MANE Select); coding-DNA positions 4903 to 4906, 4 bases deleted (AAAG; older notation c.4903_4906delAAAG).
Protein change: p.Lys1635fs; shifts the reading frame from lysine 1635.
Molecular consequence: frameshift variant.
Genome position (GRCh38, 1-based): chr9:77,317,645-77,317,648, AAAG deleted; deleting any 4 consecutive bases within chr9:77,317,643-77,317,648 gives the same sequence; the c. name uses the placement nearest the transcript's 3' end. VCF-style (leftmost placement, unchanged base first): chr9-77317642-CAGAA-C. GRCh37 (hg19) VCF-style: chr9-79932558-CAGAA-C.
Other names: c.4786_4789del, p.Lys1596fs (NM_001018037.2); c.4903_4906del, p.Lys1635fs (NM_001018038.3, NM_015186.4); short protein forms K1596fs, K1635fs.
Identifiers: ClinVar variation 4816403 (VCV004816403.1).